The following is an entry in ClinVar:

NM_000059.4(BRCA2):c.8975_9100del (p.Pro2992_Thr3033del)

Gene: BRCA2 (BRCA2 DNA repair associated; plus strand). Cytogenetic location: 13q13.1.
Variant type: Deletion.
Coding change: c.8975_9100del on transcript NM_000059.4 (MANE Select); coding-DNA positions 8975 to 9100, 126 bases deleted.
Protein change: p.Pro2992_Thr3033del.
Molecular consequence: inframe deletion.
Genome position (GRCh38, 1-based): chr13:32,379,771-32,379,896, 126 bases deleted. GRCh37 (hg19): chr13:32,953,908-32,954,033.
Other names: p.Pro2992_Thr3033del; 9203del126; c.8975_9100delCATCATCAGATTTATATTCTCTGTTAACAGAAGGAAAGAGATACAGAATTTATCATCTTGCAACTTCAAAATCTAAAAGTAAATCTGAAAGAGCTAACATACAGTTAGCAGCGACAAAAAAAACTC (NM_000059.3); c.8975_9100del126 (NM_000059.3).
Identifiers: ClinVar variation 96876 (VCV000096876.24), dbSNP rs80359736, ClinGen allele CA025906.

ClinVar aggregate classification (germline): Pathogenic/Likely pathogenic. Review status: criteria provided, multiple submitters, no conflicts (2 of 4 stars). 9 submissions from 9 submitters: Pathogenic (2); Likely pathogenic (5). 2 of the submissions do not count toward it. Last evaluated 2025-11-18.

Conditions:
Hereditary cancer-predisposing syndrome. Also called: Hereditary Cancer Syndrome; Neoplastic Syndromes, Hereditary; Hereditary neoplastic syndrome; Tumor predisposition. Identifiers: Orphanet 140162, MedGen C0027672, MeSH D009386, MONDO:0015356.
Hereditary breast ovarian cancer syndrome. Also called: Breast and ovarian cancer; Hereditary breast and/or ovarian cancer syndrome; Hereditary breast and ovarian cancer; Hereditary breast and ovarian cancer syndrome; Hereditary breast and ovarian cancer syndrome (HBOC); BRCA1- and BRCA2-Associated Hereditary Breast and Ovarian Cancer. Identifiers: Orphanet 145, MedGen C0677776, MeSH D061325, MONDO:0003582. Disease mechanism: loss of function.
Breast-ovarian cancer, familial, susceptibility to, 2 (BROVCA2). Also called: BRCA2 Hereditary Breast and Ovarian Cancer. Identifiers: Orphanet 145, MedGen C2675520, MONDO:0012933, OMIM 612555. Disease mechanism: loss of function.

Submissions (9):

German Consortium for Hereditary Breast and Ovarian Cancer, University Hospital Cologne
Classification: Likely pathogenic for Hereditary breast ovarian cancer syndrome. Last evaluated: 2025-11-18. Review status: criteria provided, single submitter. Criteria: ClinGen BRCA2 V1.1.0. Collection method: curation. Allele origin: germline.
Comment: This classification follows the ClinGen ENIGMA BRCA2 v1.1.0 classification scheme; We chose these criteria: PS4 (strong pathogenic): Rath et al. 2012, PMID: 22228431 5 in 916 case genotypes vs 0 in 2652 control genotypes gives an odds ratio of 14.55 (95%CI=1.7-124.7) Identified in 35 families from GC-HBOC, PM2 (supporting pathogenic): absent from gnomAD 4.1.0 SVs/CNVs / dgv gold standard , PP3 (supporting pathogenic): in-frame deletion inside a clinically important functional domain and predicted impact via protein change, PP4 (medium pathogenic): Combined LR Score 16,78 PMID: 31131967

Labcorp Genetics (formerly Invitae), Labcorp
Classification: Pathogenic for Hereditary breast ovarian cancer syndrome. Last evaluated: 2025-11-12. Review status: criteria provided, single submitter. Criteria: Invitae Variant Classification Sherloc (09022015). Collection method: clinical testing. Allele origin: germline.
Comment: This variant, c.8975_9100del, results in the deletion of 42 amino acid(s) of the BRCA2 protein (p.Pro2992_Thr3033del), but otherwise preserves the integrity of the reading frame. This variant is not present in population databases (gnomAD no frequency). This variant has been observed in individual(s) with BRCA2-related conditions (PMID: 20195775, 22228431, 23179793, 26207792). It has also been observed to segregate with disease in related individuals. This variant is also known as 9203del126. ClinVar contains an entry for this variant (Variation ID: 96876). RNA analysis performed to evaluate the impact of this variant on mRNA splicing indicates it does not significantly alter splicing (internal data). This variant disrupts a region of the BRCA2 protein in which other variant(s) (p.Glu3002Lys) have been determined to be pathogenic (PMID: 20694749, 21947752, 22678057; internal data). This suggests that this is a clinically significant region of the protein, and that variants that disrupt it are likely to be disease-causing. For these reasons, this variant has been classified as Pathogenic.

Ambry Genetics
Classification: Likely pathogenic for Hereditary cancer-predisposing syndrome. Last evaluated: 2025-07-23. Review status: criteria provided, single submitter. Criteria: Ambry Variant Classification Scheme 2023. Collection method: clinical testing. Allele origin: germline.
Comment: The c.8975_9100del126 variant (also known as p.P2992_T3033del) is located in coding exon 22 of the BRCA2 gene. This variant results from an in-frame deletion of 126 nucleotides at positions 8975 to 9100. This results in the in-frame deletion of 42 amino acids between codons 2992 and 3033. This alteration has been detected in multiple breast and/or ovarian and/or pancreatic cancer families and has been shown to segregate with disease (Slater EP et al. Fam Cancer. 2010 Sep;9(3):335-43; Rath MG et al. Breast Cancer Res Treat. 2012 Jun;133(2):725-34; Bartsch DK et al. Fam Cancer. 2013 Mar;12(1):89-96; Lincoln SE et al. J Mol Diagn. 2015 Sep;17(5):533-44). This alteration was significantly enriched in a breast cancer-affected cohort compared to a large control population, where it was not identified (Rath MG et al. Breast Cancer Res Treat. 2012 Jun;133(2):725-34). Of note, this alteration is also designated as 9203del126 in published literature. This alteration occurs in the OB2 domain which is essential for DNA binding and internal structural analysis indicates that this alteration will likely impact protein function (Ambry internal data). Based on the majority of available evidence to date, this variant is likely to be pathogenic.

Women's Health and Genetics/Laboratory Corporation of America, LabCorp
Classification: Pathogenic for Hereditary breast ovarian cancer syndrome. Last evaluated: 2022-11-25. Review status: criteria provided, single submitter. Criteria: LabCorp Variant Classification Summary - May 2015. Collection method: clinical testing. Allele origin: germline.
Comment: Variant summary: BRCA2 c.8975_9100del126 (p.Pro2992_Thr3033del) results in an in-frame deletion that is predicted to remove 42 amino acids from the encoded protein. The variant was absent in 250784 control chromosomes. c.8975_9100del126 has been reported in the literature in multiple individuals affected with Hereditary Breast And Ovarian Cancer Syndrome (Lincoln_2015, Rath_2012 and Slater_2010 etc.). These data indicate that the variant is very likely to be associated with disease. To our knowledge, no experimental evidence demonstrating an impact on protein function has been reported. Four clinical diagnostic laboratories have submitted clinical-significance assessments for this variant to ClinVar after 2014 without evidence for independent evaluation. All laboratories classified the variant as pathogenic/likely pathogenic. Based on the evidence outlined above, the variant was classified as pathogenic.

Mayo Clinic Laboratories, Mayo Clinic
Classification: Likely pathogenic. Last evaluated: 2022-09-22. Review status: criteria provided, single submitter. Criteria: ACMG Guidelines, 2015. Collection method: clinical testing. Allele origin: germline. Observed: 1 variant allele.
Comment: PP5, PM2, PM4, PS4_moderate

Color Diagnostics, LLC DBA Color Health
Classification: Likely pathogenic for Hereditary cancer-predisposing syndrome. Last evaluated: 2022-02-08. Review status: criteria provided, single submitter. Criteria: ACMG Guidelines, 2015. Collection method: clinical testing. Allele origin: germline.
Comment: This variant (also known as c.9203_9328del126) causes an in-frame deletion of 42 amino acids in the DNA binding domain of the BRCA2 protein. To our knowledge, functional studies have not been reported for this variant. This variant has been reported in individuals affected with breast cancer, ovarian cancer and pancreatic cancer (PMID: 20195775, 22228431). One family study has shown this variant to segregate with breast and pancreatic cancer in 4 family members, while the variant was absent 4 unaffected family members older than age 67 years (PMID: 20195775). Additionally, a multi-factorial likelihood analysis using health history, in silico prediction, and co-occurrence with known pathogenic variant has suggested this variant has a high probability of being pathogenic (PMID: 31131967). This variant has not been identified in the general population by the Genome Aggregation Database (gnomAD). Based on the available evidence, this variant is classified as Likely Pathogenic.

GeneDx
Classification: Likely pathogenic. Last evaluated: 2017-03-14. Review status: criteria provided, single submitter. Criteria: GeneDx Variant Classification (06012015). Collection method: clinical testing. Allele origin: germline. Affected: yes.
Comment: This in-frame deletion of 126 nucleotides is denoted BRCA2 c.8975_9100del126 at the cDNA level, p.Pro2992_Thr3033del (P2992_T3033del) at the protein level, and results in the loss of 42 residues. The surrounding sequence is CGTC[del126]AGTA. Also reported as BRCA2 9203_9328del126 and 9203del126 using alternate nomenclature, this variant has been observed in at least six families with breast, ovarian, and/or pancreatic cancer and was shown to segregate with disease in one of these families (Slater 2010, Rath 2012). BRCA2 c.8975_9100del126 was not observed in large population cohorts (NHLBI Exome Sequencing Project, The 1000 Genomes Consortium 2015, Lek 2016). Even though this variant results in an in-frame transcript, the deleted region includes several residues that are conserved and it is located within the DNA binding domain (Yang 2002). Based on currently available evidence, we consider BRCA2 c.8975_9100del126 to be likely pathogenic.

Sharing Clinical Reports Project (SCRP)
Classification: Likely pathogenic for Breast-ovarian cancer, familial 2. Last evaluated: 2013-06-26. Review status: no assertion criteria provided. Collection method: clinical testing. Allele origin: germline. Not counted in ClinVar's aggregate classification.

Breast Cancer Information Core (BIC) (BRCA2)
Classification: Uncertain significance for Breast-ovarian cancer, familial 2. Last evaluated: 2004-02-20. Review status: no assertion criteria provided. Collection method: clinical testing. Allele origin: germline, unknown. Affected: yes. Observed: 6 variant alleles. Not counted in ClinVar's aggregate classification.

Literature cited by the submitters: PubMed 20195775 (cited by 4 submitters); PubMed 22228431 (cited by 4 submitters); PubMed 23179793 (cited by Labcorp Genetics (formerly Invitae), Labcorp and Mayo Clinic Laboratories, Mayo Clinic); PubMed 26207792 (cited by 3 submitters); PubMed 20694749 (cited by Labcorp Genetics (formerly Invitae), Labcorp); PubMed 21947752 (cited by Labcorp Genetics (formerly Invitae), Labcorp); PubMed 22678057 (cited by Labcorp Genetics (formerly Invitae), Labcorp); PubMed 11304778 (cited by Ambry Genetics); PubMed 31131967 (cited by Mayo Clinic Laboratories, Mayo Clinic and Color Diagnostics, LLC DBA Color Health).